The following is an entry in ClinVar:

ClinVar aggregate classification (germline): Likely pathogenic. Review status: criteria provided, multiple submitters, no conflicts (2 of 4 stars). 2 submissions from 2 submitters: Likely pathogenic (2). Last evaluated 2025-07-01.

Conditions:
Neurodevelopmental disorder with seizures and nonepileptic hyperkinetic movements. Identifiers: MedGen C5193128, MONDO:0032784, OMIM 618497.

Submissions (2):

Dasa
Classification: Likely pathogenic. Last evaluated: 2025-07-01. Review status: criteria provided, single submitter. Criteria: DASA Assertion Criteria. Collection method: clinical testing. Allele origin: germline.
Comment: NM_000718.4(CACNA1B):c.110dup (p.Gln38Alafs*83) is a frameshift variant in CACNA1B predicted to alter the reading frame and introduce a premature termination codon and is predicted to result in an absent or altered protein product. Loss of function is an established disease mechanism for CACNA1B-associated disorders. Also, this variant is absent from population databases. Based on the currently available evidence, this variant is classified as likely pathogenic.

Department of Pathology and Laboratory Medicine, Sinai Health System
Classification: Likely pathogenic for Neurodevelopmental disorder with seizures and nonepileptic hyperkinetic movements. Last evaluated: 2022-07-12. Review status: criteria provided, single submitter. Criteria: ACMG Guidelines, 2015. Collection method: research. Allele origin: germline.

NM_000718.4(CACNA1B):c.110dup (p.Gln38fs)

Genes: CACNA1B (calcium voltage-gated channel subunit alpha1 B; plus strand), CACNA1B-AS2 (CACNA1B antisense RNA 2; minus strand). Cytogenetic location: 9q34.3.
Variant type: Duplication.
Coding change: c.110dup on transcript NM_000718.4 (MANE Select); coding-DNA position 110, one base duplicated (T; older notation c.110dupT).
Protein change: p.Gln38fs; shifts the reading frame from glutamine 38.
Molecular consequence: frameshift variant.
Genome position (GRCh38, 1-based): chr9:137,878,043, T duplicated. VCF-style (leftmost placement, unchanged base first): chr9-137878042-C-CT. GRCh37 (hg19) VCF-style: chr9-140772494-C-CT.
Other names: c.110dup, p.Gln38fs (NM_001243812.2); short protein forms Q38fs.
Identifiers: ClinVar variation 3779474 (VCV003779474.3).